The following is an entry in ClinVar:

NM_001105206.3(LAMA4):c.4821+245A>G

Gene: LAMA4 (laminin subunit alpha 4; minus strand). Cytogenetic location: 6q21.
Variant type: single nucleotide variant.
Coding change: c.4821+245A>G on transcript NM_001105206.3 (MANE Select); 245 bases into the intron after coding-DNA position 4821, A replaced by G.
Molecular consequence: intron variant.
Genome position (GRCh38, 1-based): chr6:112,118,911, T>C on the plus strand (A>G on the coding strand, the complement: LAMA4 is on the minus strand). VCF-style: chr6-112118911-T-C. GRCh37 (hg19) VCF-style: chr6-112440114-T-C.
Other names: c.4800+245A>G (NM_002290.5, NM_001105207.3).
Identifiers: ClinVar variation 679433 (VCV000679433.1), dbSNP rs73541501, ClinGen allele CA144882188.

ClinVar aggregate classification (germline): Benign (1 of 4 stars; one submission).

Allele frequency attached by ClinVar (database versions not stated): gnomAD 0.05333 and 0.05735; 1000 Genomes Project 0.05411; 1000 Genomes Project 30x 0.05918; TOPMed 0.06019.
gnomAD v4.1: 8,046 of 152,272 alleles (5.3%); highest among the groups gnomAD compares: African/African-American, 18%; 694 homozygotes.

Submission:

GeneDx
Classification: Benign. Last evaluated: 2018-06-19. Review status: criteria provided, single submitter. Criteria: GeneDx Variant Classification (06012015). Collection method: clinical testing. Allele origin: germline. Affected: yes.
Comment: This variant is considered likely benign or benign based on one or more of the following criteria: it is a conservative change, it occurs at a poorly conserved position in the protein, it is predicted to be benign by multiple in silico algorithms, and/or has population frequency not consistent with disease.